The following is an entry in ClinVar:

NM_006160.4(NEUROD2):c.917A>G (p.Asn306Ser)

Gene: NEUROD2 (neuronal differentiation 2; minus strand). Cytogenetic location: 17q12.
Variant type: single nucleotide variant.
Coding change: c.917A>G on transcript NM_006160.4 (MANE Select); coding-DNA position 917, A replaced by G.
Protein change: p.Asn306Ser; replaces asparagine 306 with serine.
Molecular consequence: missense variant.
Genome position (GRCh38, 1-based): chr17:39,605,683, T>C on the plus strand (A>G on the coding strand, the complement: NEUROD2 is on the minus strand). VCF-style: chr17-39605683-T-C. GRCh37 (hg19) VCF-style: chr17-37761936-T-C.
Other names: short protein forms N306S.
Identifiers: ClinVar variation 2692466 (VCV002692466.1), dbSNP rs2545857904, ClinGen allele CA398855796.

ClinVar aggregate classification (germline): Uncertain significance (1 of 4 stars; one submission).

Submission:

Greenwood Genetic Center Diagnostic Laboratories, Greenwood Genetic Center
Classification: Uncertain significance. Last evaluated: 2023-11-16. Review status: criteria provided, single submitter. Criteria: ACMG Guidelines, 2015. Collection method: clinical testing. Allele origin: germline. Affected: yes.
Comment: PM2